The following is an entry in ClinVar:

ClinVar aggregate classification (germline): Uncertain significance. Review status: criteria provided, multiple submitters, no conflicts (2 of 4 stars). 2 submissions from 2 submitters: Uncertain significance (2). Last evaluated 2025-08-02.

gnomAD v4.1: 68 of 1,614,048 alleles (0.0042%); highest among the groups gnomAD compares: African/African-American, 0.0053%; no homozygotes.

Submissions (2):

Ambry Genetics
Classification: Uncertain significance. Last evaluated: 2025-08-02. Review status: criteria provided, single submitter. Criteria: Ambry Variant Classification Scheme 2023. Collection method: clinical testing. Allele origin: germline.

Labcorp Genetics (formerly Invitae), Labcorp
Classification: Uncertain significance. Last evaluated: 2024-09-04. Review status: criteria provided, single submitter. Criteria: Invitae Variant Classification Sherloc (09022015). Collection method: clinical testing. Allele origin: germline.
Comment: This sequence change replaces glycine, which is neutral and non-polar, with aspartic acid, which is acidic and polar, at codon 213 of the P2RX2 protein (p.Gly213Asp). This variant is present in population databases (rs201108603, gnomAD 0.01%). This variant has not been reported in the literature in individuals affected with P2RX2-related conditions. An algorithm developed to predict the effect of missense changes on protein structure and function (PolyPhen-2) suggests that this variant is likely to be disruptive. In summary, the available evidence is currently insufficient to determine the role of this variant in disease. Therefore, it has been classified as a Variant of Uncertain Significance.

NM_170682.4(P2RX2):c.638G>A (p.Gly213Asp)

Gene: P2RX2 (purinergic receptor P2X 2; plus strand). Cytogenetic location: 12q24.33.
Variant type: single nucleotide variant.
Coding change: c.638G>A on transcript NM_170682.4 (MANE Select); coding-DNA position 638, G replaced by A.
Protein change: p.Gly213Asp; replaces glycine 213 with aspartic acid.
Molecular consequence: missense variant. On other transcripts: synonymous variant (1).
Genome position (GRCh38, 1-based): chr12:132,620,447, G>A. VCF-style: chr12-132620447-G-A. GRCh37 (hg19) VCF-style: chr12-133197033-G-A.
Other names: c.362G>A, p.Gly121Asp (NM_174872.3); c.638G>A, p.Gly213Asp (NM_174873.3, NM_001282165.2, NM_170683.4); c.531G>A, p.Gly177= (NM_001282164.2); c.422G>A, p.Gly141Asp (NM_012226.5); c.566G>A, p.Gly189Asp (NM_016318.4); c.638G>A (NM_170683.2); short protein forms G121D, G141D, G189D, G213D.
Identifiers: ClinVar variation 3606149 (VCV003606149.3).
Genomic context (GRCh38, chr12:132,620,447, plus strand): 5'-CTGCCTTCTGGGAATGGGGTATTTGGGGTGCAGGTCTCGCCTCCTGCCGCCTCCTCAGGG[G>A]CAACATCGCCGACCGCACAGACGGGTACCTGAAGCGCTGCACGTTCCACGAGGCCTCCGA-3'
Protein context (NP_733782.1, residues 203-223): IHYPKFHFSK[Gly213Asp]NIADRTDGYL